The following is an entry in ClinVar:

NM_001458.5(FLNC):c.179T>C (p.Leu60Pro)

Gene: FLNC (filamin C; plus strand). Cytogenetic location: 7q32.1.
Variant type: single nucleotide variant.
Coding change: c.179T>C on transcript NM_001458.5 (MANE Select); coding-DNA position 179, T replaced by C.
Protein change: p.Leu60Pro; replaces leucine 60 with proline.
Molecular consequence: missense variant.
Genome position (GRCh38, 1-based): chr7:128,830,816, T>C. VCF-style: chr7-128830816-T-C. GRCh37 (hg19) VCF-style: chr7-128470870-T-C.
Other names: c.179T>C, p.Leu60Pro (NM_001127487.2); short protein forms L60P.
Identifiers: ClinVar variation 2691182 (VCV002691182.2), dbSNP rs1807855891, ClinGen allele CA369216221.

ClinVar aggregate classification (germline): Uncertain significance. Review status: criteria provided, multiple submitters, no conflicts (2 of 4 stars). 2 submissions from 2 submitters: Uncertain significance (2). Last evaluated 2025-06-10.

Conditions:
Cardiomyopathy (CMYO). Also called: Cardiomyopathies. Identifiers: Orphanet 167848, MedGen C0878544, MONDO:0004994, HP:0001638. Inheritance: Various modes of inheritance.

Submissions (2):

GeneDx
Classification: Uncertain significance. Last evaluated: 2025-06-10. Review status: criteria provided, single submitter. Criteria: GeneDx Variant Classification Process June 2021. Collection method: clinical testing. Allele origin: germline. Affected: yes.
Comment: Not observed at significant frequency in large population cohorts (gnomAD); In silico analysis supports that this missense variant has a deleterious effect on protein structure/function; Has not been previously published as pathogenic or benign to our knowledge

CHEO Genetics Diagnostic Laboratory, Children's Hospital of Eastern Ontario
Classification: Uncertain significance for Cardiomyopathy. Last evaluated: 2022-10-07. Review status: criteria provided, single submitter. Criteria: ACMG Guidelines, 2015. Collection method: clinical testing. Allele origin: germline.